The following is an entry in ClinVar:

ClinVar aggregate classification (germline): Conflicting classifications of pathogenicity. Review status: criteria provided, conflicting classifications (1 of 4 stars). 2 submissions from 2 submitters: Uncertain significance (1); Likely benign (1). Last evaluated 2023-09-11.

Allele frequency attached by ClinVar (database versions not stated): gnomAD 0.00001; TOPMed 0.00001; gnomAD exomes 0.00002; ExAC 0.00005.
gnomAD v4.1: 25 of 1,593,114 alleles (0.0016%); highest among the groups gnomAD compares: Admixed American, 0.03%; no homozygotes.

Submissions (2):

Labcorp Genetics (formerly Invitae), Labcorp
Classification: Uncertain significance. Last evaluated: 2023-09-11. Review status: criteria provided, single submitter. Criteria: Invitae Variant Classification Sherloc (09022015). Collection method: clinical testing. Allele origin: germline.
Comment: This variant has not been reported in the literature in individuals affected with PDSS1-related conditions. This variant is present in population databases (rs750229694, gnomAD 0.04%). This sequence change falls in intron 6 of the PDSS1 gene. It does not directly change the encoded amino acid sequence of the PDSS1 protein. It affects a nucleotide within the consensus splice site. In summary, the available evidence is currently insufficient to determine the role of this variant in disease. Therefore, it has been classified as a Variant of Uncertain Significance. Variants that disrupt the consensus splice site are a relatively common cause of aberrant splicing (PMID: 17576681, 9536098). Algorithms developed to predict the effect of sequence changes on RNA splicing suggest that this variant is not likely to affect RNA splicing. ClinVar contains an entry for this variant (Variation ID: 1935069).

Blueprint Genetics
Classification: Likely benign. Last evaluated: 2022-09-12. Review status: criteria provided, single submitter. Criteria: ACMG Guidelines, 2015. Collection method: clinical testing. Allele origin: germline.

Literature cited by the submitters: PubMed 17576681 (cited by Labcorp Genetics (formerly Invitae), Labcorp); PubMed 9536098 (cited by Labcorp Genetics (formerly Invitae), Labcorp).

NM_014317.5(PDSS1):c.609+4T>C

Gene: PDSS1 (decaprenyl diphosphate synthase subunit 1; plus strand). Cytogenetic location: 10p12.1.
Variant type: single nucleotide variant.
Coding change: c.609+4T>C on transcript NM_014317.5 (MANE Select); 4 bases into the intron after coding-DNA position 609, T replaced by C.
Molecular consequence: intron variant.
Genome position (GRCh38, 1-based): chr10:26,720,363, T>C. VCF-style: chr10-26720363-T-C. GRCh37 (hg19) VCF-style: chr10-27009292-T-C.
Other names: c.99+4T>C (NM_001321979.2); c.609+4T>C (NM_001321978.2).
Identifiers: ClinVar variation 1935069 (VCV001935069.4), dbSNP rs750229694, ClinGen allele CA5446962.
Genomic context (GRCh38, chr10:26,720,363, plus strand): 5'-GATGCAAGTTCTCGAAGAGGAAAACACACAGTTAATAAGATCTGGGGTGAAAAGAAGGTA[T>C]GGTTTTTTGGTTTTTTTAAAATCTCTCTTACTGAATCACACACTTTTCGGACCGCATTTG-3'